The following is an entry in ClinVar:

ClinVar aggregate classification (germline): Uncertain significance (1 of 4 stars; one submission).

Allele frequency attached by ClinVar (database versions not stated): gnomAD exomes below 0.00001; TOPMed below 0.00001.

Submission:

Labcorp Genetics (formerly Invitae), Labcorp
Classification: Uncertain significance. Last evaluated: 2022-04-28. Review status: criteria provided, single submitter. Criteria: Invitae Variant Classification Sherloc (09022015). Collection method: clinical testing. Allele origin: germline.
Comment: This sequence change replaces methionine, which is neutral and non-polar, with leucine, which is neutral and non-polar, at codon 149 of the C1QB protein (p.Met149Leu). In summary, the available evidence is currently insufficient to determine the role of this variant in disease. Therefore, it has been classified as a Variant of Uncertain Significance. Algorithms developed to predict the effect of missense changes on protein structure and function (SIFT, PolyPhen-2, Align-GVGD) all suggest that this variant is likely to be tolerated. This variant has not been reported in the literature in individuals affected with C1QB-related conditions. This variant is present in population databases (no rsID available, gnomAD 0.006%).

NM_001378156.1(C1QB):c.439A>T (p.Met147Leu)

Gene: C1QB (complement C1q B chain; plus strand). Cytogenetic location: 1p36.12.
Variant type: single nucleotide variant.
Coding change: c.439A>T on transcript NM_001378156.1 (MANE Select); coding-DNA position 439, A replaced by T.
Protein change: p.Met147Leu; replaces methionine 147 with leucine.
Molecular consequence: missense variant.
Genome position (GRCh38, 1-based): chr1:22,661,069, A>T. VCF-style: chr1-22661069-A-T. GRCh37 (hg19) VCF-style: chr1-22987562-A-T.
Other names: c.445A>T, p.Met149Leu (NM_000491.5); c.439A>T, p.Met147Leu (NM_001371184.3); short protein forms M147L, M149L.
Identifiers: ClinVar variation 1934298 (VCV001934298.5), dbSNP rs1204106220, ClinGen allele CA338947577.
Genomic context (GRCh38, chr1:22,661,069, plus strand): 5'-ACCATCAACGTCCCCCTGCGCCGGGACCAGACCATCCGCTTCGACCACGTGATCACCAAC[A>T]TGAACAACAATTATGAGCCCCGCAGTGGCAAGTTCACCTGCAAGGTGCCCGGTCTCTACT-3'
Protein context (NP_001365085.1, residues 137-157): TIRFDHVITN[Met147Leu]NNNYEPRSGK